The following is an entry in ClinVar:

NM_012193.4(FZD4):c.757C>T (p.Arg253Cys)

Genes: FZD4 (frizzled class receptor 4; minus strand), PRSS23 (serine protease 23; plus strand). Cytogenetic location: 11q14.2.
Variant type: single nucleotide variant.
Coding change: c.757C>T on transcript NM_012193.4 (MANE Select); coding-DNA position 757, C replaced by T.
Protein change: p.Arg253Cys; replaces arginine 253 with cysteine.
Molecular consequence: missense variant. On other transcripts: non-coding transcript variant (2).
Genome position (GRCh38, 1-based): chr11:86,951,999, G>A on the plus strand (C>T on the coding strand, the complement: FZD4 is on the minus strand). VCF-style: chr11-86951999-G-A. GRCh37 (hg19) VCF-style: chr11-86663041-G-A.
Other names: short protein forms R253C.
Identifiers: ClinVar variation 1068101 (VCV001068101.9), dbSNP rs767255289, ClinGen allele CA6218419.
Genomic context (GRCh38, chr11:86,951,999, plus strand): 5'-GCCTGACAATATAAGCAATGCTATAAATATTATAGCACATACTGAGAAATATGATGGGGC[G>A]CTCAGGGTAGGAAAACCTAGAAGAATCGATCAGGAAGGTCAGTACTGTGAAGGCAGTGGA-3'
Protein context (NP_036325.2, residues 243-263): IDSSRFSYPE[Arg253Cys]PIIFLSMCYN

ClinVar aggregate classification (germline): Pathogenic (1 of 4 stars; one submission).

Allele frequency attached by ClinVar (database versions not stated): ExAC 0.00001; gnomAD 0.00001; gnomAD exomes 0.00001.
gnomAD v4.1: 8 of 1,613,892 alleles (0.0005%); highest among the groups gnomAD compares: South Asian, 0.0033%; no homozygotes.

Submission:

Labcorp Genetics (formerly Invitae), Labcorp
Classification: Pathogenic. Last evaluated: 2024-04-25. Review status: criteria provided, single submitter. Criteria: Invitae Variant Classification Sherloc (09022015). Collection method: clinical testing. Allele origin: germline.
Comment: This sequence change replaces arginine, which is basic and polar, with cysteine, which is neutral and slightly polar, at codon 253 of the FZD4 protein (p.Arg253Cys). This variant is present in population databases (rs767255289, gnomAD 0.003%). This missense change has been observed in individuals with familial exudative vitreoretinopathy (PMID: 20938005, 30452590, 31987760, 35277167). It has also been observed to segregate with disease in related individuals. ClinVar contains an entry for this variant (Variation ID: 1068101). Advanced modeling of protein sequence and biophysical properties (such as structural, functional, and spatial information, amino acid conservation, physicochemical variation, residue mobility, and thermodynamic stability) has been performed at Invitae for this missense variant, however the output from this modeling did not meet the statistical confidence thresholds required to predict the impact of this variant on FZD4 protein function. Experimental studies are conflicting or provide insufficient evidence to determine the effect of this variant on FZD4 function (PMID: 27096003). For these reasons, this variant has been classified as Pathogenic.

Literature cited by the submitters: PubMed 20938005; PubMed 30452590; PubMed 31987760; PubMed 35277167; PubMed 27096003.